The following is an entry in ClinVar:

NM_153000.5(APCDD1):c.1295G>A (p.Arg432Gln)

Gene: APCDD1 (APC down-regulated 1; plus strand). Cytogenetic location: 18p11.22.
Variant type: single nucleotide variant.
Coding change: c.1295G>A on transcript NM_153000.5 (MANE Select); coding-DNA position 1295, G replaced by A.
Protein change: p.Arg432Gln; replaces arginine 432 with glutamine.
Molecular consequence: missense variant.
Genome position (GRCh38, 1-based): chr18:10,487,788, G>A. VCF-style: chr18-10487788-G-A. GRCh37 (hg19) VCF-style: chr18-10487785-G-A.
Other names: short protein forms R432Q.
Identifiers: ClinVar variation 2373647 (VCV002373647.4), dbSNP rs562518496, ClinGen allele CA8891274.
Genomic context (GRCh38, chr18:10,487,788, plus strand): 5'-CCCTGGGCATCAAACTACCTCACACGGAGTACGAGATCTTCAAAATGGAACAGGATGCCC[G>A]GGGGCGCTATCTGCTGTTCAACGGTCAGAGGCCCAGCGACGGGTCCAGCCCAGACAGGCC-3'
Protein context (NP_694545.1, residues 422-442): YEIFKMEQDA[Arg432Gln]GRYLLFNGQR

ClinVar aggregate classification (germline): Uncertain significance. Review status: criteria provided, multiple submitters, no conflicts (2 of 4 stars). 3 submissions from 3 submitters: Uncertain significance (3). Last evaluated 2025-09-24.

Conditions:
Hypotrichosis 1. Also called: HYPOTRICHOSIS SIMPLEX, GENERALIZED, HEREDITARY; Hereditary hypotrichosis simplex. Identifiers: Orphanet 55654, MedGen C4551976, MONDO:0011549, OMIM 605389.

Allele frequency attached by ClinVar (database versions not stated): TOPMed 0.00004; gnomAD 0.00005; ExAC 0.00007; 1000 Genomes Project 30x 0.00016; 1000 Genomes Project 0.00020.
gnomAD v4.1: 63 of 1,614,024 alleles (0.0039%); highest among the groups gnomAD compares: East Asian, 0.013%; no homozygotes.

Submissions (3):

Labcorp Genetics (formerly Invitae), Labcorp
Classification: Uncertain significance. Last evaluated: 2025-09-24. Review status: criteria provided, single submitter. Criteria: Invitae Variant Classification Sherloc (09022015). Collection method: clinical testing. Allele origin: germline.
Comment: This sequence change replaces arginine, which is basic and polar, with glutamine, which is neutral and polar, at codon 432 of the APCDD1 protein (p.Arg432Gln). This variant is present in population databases (rs562518496, gnomAD 0.02%). This variant has not been reported in the literature in individuals affected with APCDD1-related conditions. ClinVar contains an entry for this variant (Variation ID: 2373647). Invitae Evidence Modeling of protein sequence and biophysical properties (such as structural, functional, and spatial information, amino acid conservation, physicochemical variation, residue mobility, and thermodynamic stability) indicates that this missense variant is not expected to disrupt APCDD1 protein function with a negative predictive value of 80%. In summary, the available evidence is currently insufficient to determine the role of this variant in disease. Therefore, it has been classified as a Variant of Uncertain Significance.

Ambry Genetics
Classification: Uncertain significance. Last evaluated: 2022-10-04. Review status: criteria provided, single submitter. Criteria: Ambry Variant Classification Scheme 2023. Collection method: clinical testing. Allele origin: germline.

Department of Pathology and Laboratory Medicine, Sinai Health System
Classification: Uncertain significance for hypotrichosis 1. Last evaluated: 2021-08-10. Review status: criteria provided, single submitter. Criteria: ACMG Guidelines, 2015. Collection method: research. Allele origin: germline.